The following is an entry in ClinVar:

NM_001110556.2(FLNA):c.374-19G>A

Gene: FLNA (filamin A; minus strand). Cytogenetic location: Xq28.
Variant type: single nucleotide variant.
Coding change: c.374-19G>A on transcript NM_001110556.2 (MANE Select); 19 bases into the intron before coding-DNA position 374, G replaced by A.
Molecular consequence: intron variant.
Genome position (GRCh38, 1-based): chrX:154,368,109, C>T on the plus strand (G>A on the coding strand, the complement: FLNA is on the minus strand). VCF-style: chrX-154368109-C-T. GRCh37 (hg19) VCF-style: chrX-153596477-C-T.
Other names: c.374-19G>A (NM_001456.4).
Identifiers: ClinVar variation 93758 (VCV000093758.18), dbSNP rs2070817, ClinGen allele CA285482.

ClinVar aggregate classification (germline): Benign. Review status: criteria provided, multiple submitters, no conflicts (2 of 4 stars). 9 submissions from 9 submitters: Benign (7). 2 of the submissions do not count toward it. Last evaluated 2026-02-04.

Conditions:
Heterotopia, periventricular, X-linked dominant (PVNH1). Also called: PERIVENTRICULAR NODULAR HETEROTOPIA 1; X-linked periventricular heterotopia; PERIVENTRICULAR NODULAR HETEROTOPIA 4; HETEROTOPIA, PERIVENTRICULAR, 1. Identifiers: Orphanet 2149, Orphanet 82004, MedGen C1848213, MONDO:0010233, OMIM 300049.
Frontometaphyseal dysplasia (FMD1). Identifiers: Orphanet 1826, MedGen C0265293, MONDO:0015942.
Melnick-Needles syndrome (MNS). Also called: Melnick-Needles Syndrome (FLNA-MNS); MELNICK-NEEDLES OSTEODYSPLASTY; OSTEODYSPLASTY OF MELNICK AND NEEDLES. Identifiers: Orphanet 2484, MedGen C0025237, MONDO:0010650, OMIM 309350.
Oto-palato-digital syndrome, type II (OPD2). Also called: Otopalatodigital Syndrome Type 2 (FLNA-OPD2); FACIOPALATOOSSEOUS SYNDROME; OPD II SYNDROME; Otopalatodigital Syndrome, Type II. Identifiers: Orphanet 669, Orphanet 90652, MedGen C1844696, MONDO:0010571, OMIM 304120.

Allele frequency attached by ClinVar (database versions not stated): 1000 Genomes Project 0.02993; 1000 Genomes Project 30x 0.03018; TOPMed 0.03531; gnomAD 0.04163 and 0.04276; ESP Exome Variant Server 0.04476; gnomAD exomes 0.05038 and 0.06404; ExAC 0.05048.
gnomAD v4.1: 74,641 of 1,208,246 alleles (6.2%); highest among the groups gnomAD compares: South Asian, 9%; 1,832 homozygotes.

Submissions (9):

Labcorp Genetics (formerly Invitae), Labcorp
Classification: Benign for Oto-palato-digital syndrome, type II; Heterotopia, periventricular, X-linked dominant; Frontometaphyseal dysplasia; Melnick-Needles syndrome. Last evaluated: 2026-02-04. Review status: criteria provided, single submitter. Criteria: Invitae Variant Classification Sherloc (09022015). Collection method: clinical testing. Allele origin: germline.

Blueprint Genetics
Classification: Benign. Last evaluated: 2024-11-28. Review status: criteria provided, single submitter. Criteria: ACMG Guidelines, 2015. Collection method: clinical testing. Allele origin: germline.

Women's Health and Genetics/Laboratory Corporation of America, LabCorp
Classification: Benign. Last evaluated: 2023-04-10. Review status: criteria provided, single submitter. Criteria: LabCorp Variant Classification Summary - May 2015. Collection method: clinical testing. Allele origin: germline.

GeneDx
Classification: Benign. Last evaluated: 2014-02-20. Review status: criteria provided, single submitter. Criteria: GeneDx Variant Classification (06012015). Collection method: clinical testing. Allele origin: germline. Affected: yes.
Comment: This variant is considered likely benign or benign based on one or more of the following criteria: it is a conservative change, it occurs at a poorly conserved position in the protein, it is predicted to be benign by multiple in silico algorithms, and/or has population frequency not consistent with disease.

Eurofins Ntd Llc (ga)
Classification: Benign. Last evaluated: 2013-10-14. Review status: criteria provided, single submitter. Criteria: EGL Classification Definitions 2015. Collection method: clinical testing. Allele origin: germline. Observed: 7 variant alleles, 4 heterozygotes, 3 hemizygotes.

Breakthrough Genomics
Classification: Benign. Review status: criteria provided, single submitter. Criteria: ACMG Guidelines, 2015. Collection method: not provided. Allele origin: germline. Inheritance: X-linked inheritance. Affected: yes.

PreventionGenetics, part of Exact Sciences
Classification: Benign. Review status: criteria provided, single submitter. Criteria: ACMG Guidelines, 2015. Collection method: clinical testing. Allele origin: germline.

Clinical Genetics DNA and cytogenetics Diagnostics Lab, Erasmus MC, Erasmus Medical Center
Classification: Benign. Review status: no assertion criteria provided. Collection method: clinical testing. Allele origin: germline. Affected: yes. Study: VKGL Data-share Consensus. Not counted in ClinVar's aggregate classification.

Genome Diagnostics Laboratory, Amsterdam University Medical Center
Classification: Benign. Review status: no assertion criteria provided. Collection method: clinical testing. Allele origin: germline. Affected: yes. Study: VKGL Data-share Consensus. Not counted in ClinVar's aggregate classification.